The following is an entry in ClinVar:

NM_012193.4(FZD4):c.475A>C (p.Met159Leu)

Genes: FZD4 (frizzled class receptor 4; minus strand), PRSS23 (serine protease 23; plus strand). Cytogenetic location: 11q14.2.
Variant type: single nucleotide variant.
Coding change: c.475A>C on transcript NM_012193.4 (MANE Select); coding-DNA position 475, A replaced by C.
Protein change: p.Met159Leu; replaces methionine 159 with leucine.
Molecular consequence: missense variant. On other transcripts: non-coding transcript variant (2).
Genome position (GRCh38, 1-based): chr11:86,952,281, T>G on the plus strand (A>C on the coding strand, the complement: FZD4 is on the minus strand). VCF-style: chr11-86952281-T-G. GRCh37 (hg19) VCF-style: chr11-86663323-T-G.
Other names: short protein forms M159L.
Identifiers: ClinVar variation 3012307 (VCV003012307.3), dbSNP rs2135041717, ClinGen allele CA382016140.

ClinVar aggregate classification (germline): Uncertain significance (1 of 4 stars; one submission).

Submission:

Labcorp Genetics (formerly Invitae), Labcorp
Classification: Uncertain significance. Last evaluated: 2023-07-07. Review status: criteria provided, single submitter. Criteria: Invitae Variant Classification Sherloc (09022015). Collection method: clinical testing. Allele origin: germline.
Comment: In summary, the available evidence is currently insufficient to determine the role of this variant in disease. Therefore, it has been classified as a Variant of Uncertain Significance. Advanced modeling of protein sequence and biophysical properties (such as structural, functional, and spatial information, amino acid conservation, physicochemical variation, residue mobility, and thermodynamic stability) performed at Invitae indicates that this missense variant is not expected to disrupt FZD4 protein function. This variant has not been reported in the literature in individuals affected with FZD4-related conditions. This variant is not present in population databases (gnomAD no frequency). This sequence change replaces methionine, which is neutral and non-polar, with leucine, which is neutral and non-polar, at codon 159 of the FZD4 protein (p.Met159Leu).